The following is an entry in ClinVar:

NM_012431.3(SEMA3E):c.1025G>A (p.Cys342Tyr)

Gene: SEMA3E (semaphorin 3E; minus strand). Cytogenetic location: 7q21.11.
Variant type: single nucleotide variant.
Coding change: c.1025G>A on transcript NM_012431.3 (MANE Select); coding-DNA position 1025, G replaced by A.
Protein change: p.Cys342Tyr; replaces cysteine 342 with tyrosine.
Molecular consequence: missense variant.
Genome position (GRCh38, 1-based): chr7:83,402,750, C>T on the plus strand (G>A on the coding strand, the complement: SEMA3E is on the minus strand). VCF-style: chr7-83402750-C-T. GRCh37 (hg19) VCF-style: chr7-83032066-C-T.
Other names: c.845G>A, p.Cys282Tyr (NM_001178129.2); short protein forms C282Y, C342Y.
Identifiers: ClinVar variation 2042603 (VCV002042603.4), dbSNP rs1788255317, ClinGen allele CA367929285.
Genomic context (GRCh38, chr7:83,402,750, plus strand): 5'-CCTTCCTTATGTGCATATGGTCCGTTGAAGGCTGCCCGAATGCTAGACATGTGATAGACA[C>T]ATATAGCATGCCCTCGAAAAATATTACTGAAAAATACAAAAAAGATAATTATTCTTCTGG-3'
Protein context (NP_036563.1, residues 332-352): TSNIFRGHAI[Cys342Tyr]VYHMSSIRAA

ClinVar aggregate classification (germline): Uncertain significance (1 of 4 stars; one submission).

Conditions:
CHARGE syndrome (CHARGE). Also called: Hittner Hirsch Kreh syndrome; CHARGE ASSOCIATION--COLOBOMA, HEART ANOMALY, CHOANAL ATRESIA, RETARDATION, GENITAL AND EAR ANOMALIES; Coloboma, heart anomaly, choanal atresia, retardation, genital and ear anomalies; CHARGE association; Hall-Hittner syndrome. Identifiers: Orphanet 138, MedGen C0265354, MONDO:0008965.

Allele frequency attached by ClinVar (database versions not stated): gnomAD exomes below 0.00001.

Submission:

Labcorp Genetics (formerly Invitae), Labcorp
Classification: Uncertain significance for CHARGE syndrome. Last evaluated: 2021-12-14. Review status: criteria provided, single submitter. Criteria: Invitae Variant Classification Sherloc (09022015). Collection method: clinical testing. Allele origin: germline.
Comment: In summary, the available evidence is currently insufficient to determine the role of this variant in disease. Therefore, it has been classified as a Variant of Uncertain Significance. Algorithms developed to predict the effect of missense changes on protein structure and function are either unavailable or do not agree on the potential impact of this missense change (SIFT: "Deleterious"; PolyPhen-2: "Probably Damaging"; Align-GVGD: "Class C0"). This variant has not been reported in the literature in individuals affected with SEMA3E-related conditions. This variant is not present in population databases (gnomAD no frequency). This sequence change replaces cysteine, which is neutral and slightly polar, with tyrosine, which is neutral and polar, at codon 342 of the SEMA3E protein (p.Cys342Tyr).